The following is an entry in ClinVar:

ClinVar aggregate classification (germline): Pathogenic. Review status: criteria provided, multiple submitters, no conflicts (2 of 4 stars). 2 submissions from 2 submitters: Pathogenic (2). Last evaluated 2019-02-24.

Conditions:
Developmental and epileptic encephalopathy, 9 (DEE9). Also called: Early infantile epileptic encephalopathy 9; JUBERG-HELLMAN SYNDROME; PCDH19-Related X-Linked Female-Limited Epilepsy with Mental Retardation; EPILEPSY, FEMALE-RESTRICTED, WITH MENTAL RETARDATION. Identifiers: Orphanet 101039, Orphanet 2076, MedGen C1848137, MONDO:0010246, OMIM 300088. Disease mechanism: loss of function.

Submissions (2):

Labcorp Genetics (formerly Invitae), Labcorp
Classification: Pathogenic for Developmental and epileptic encephalopathy, 9. Last evaluated: 2019-02-24. Review status: criteria provided, single submitter. Criteria: Invitae Variant Classification Sherloc (09022015). Collection method: clinical testing. Allele origin: germline.
Comment: This sequence change creates a premature translational stop signal (p.Gln272*) in the PCDH19 gene. It is expected to result in an absent or disrupted protein product. This variant is not present in population databases (ExAC no frequency). This variant has been observed in an individual affected with seizure disorder (PMID: 29056246). ClinVar contains an entry for this variant (Variation ID: 193191). Loss-of-function variants in PCDH19 are known to be pathogenic (PMID: 21053371). For these reasons, this variant has been classified as Pathogenic.

Eurofins Ntd Llc (ga)
Classification: Pathogenic. Last evaluated: 2015-04-01. Review status: criteria provided, single submitter. Criteria: EGL Classification Definitions 2015. Collection method: clinical testing. Allele origin: germline. Observed: 1 variant allele, 1 heterozygote.

Literature cited by the submitters: PubMed 29056246 (cited by Labcorp Genetics (formerly Invitae), Labcorp); PubMed 21053371 (cited by Labcorp Genetics (formerly Invitae), Labcorp).

NM_001184880.2(PCDH19):c.814C>T (p.Gln272Ter)

Gene: PCDH19 (protocadherin 19; minus strand). Cytogenetic location: Xq22.1.
Variant type: single nucleotide variant.
Coding change: c.814C>T on transcript NM_001184880.2 (MANE Select); coding-DNA position 814, C replaced by T.
Protein change: p.Gln272Ter; replaces glutamine 272 with a stop codon.
Molecular consequence: nonsense.
Genome position (GRCh38, 1-based): chrX:100,407,784, G>A on the plus strand (C>T on the coding strand, the complement: PCDH19 is on the minus strand). VCF-style: chrX-100407784-G-A. GRCh37 (hg19) VCF-style: chrX-99662782-G-A.
Other names: c.814C>T, p.Gln272Ter (NM_001105243.2, NM_020766.3); short protein forms Q272*.
Identifiers: ClinVar variation 193191 (VCV000193191.14), dbSNP rs794726897, ClinGen allele CA200393.